The following is an entry in ClinVar:

NM_001382430.1(AKT1):c.713A>G (p.His238Arg)

Gene: AKT1 (AKT serine/threonine kinase 1; minus strand). Cytogenetic location: 14q32.33.
Variant type: single nucleotide variant.
Coding change: c.713A>G on transcript NM_001382430.1 (MANE Select); coding-DNA position 713, A replaced by G.
Protein change: p.His238Arg; replaces histidine 238 with arginine.
Molecular consequence: missense variant.
Genome position (GRCh38, 1-based): chr14:104,773,570, T>C on the plus strand (A>G on the coding strand, the complement: AKT1 is on the minus strand). VCF-style: chr14-104773570-T-C. GRCh37 (hg19) VCF-style: chr14-105239907-T-C.
Other names: c.713A>G, p.His238Arg (NM_001014431.2, NM_001014432.2, NM_001382431.1 and 3 more transcripts); short protein forms H238R.
Identifiers: ClinVar variation 4036076 (VCV004036076.1).

ClinVar aggregate classification (germline): Uncertain significance (1 of 4 stars; one submission).

Conditions:
Inborn genetic diseases. Identifiers: MedGen C0950123, MeSH D030342.

Submission:

Ambry Genetics
Classification: Uncertain significance for Inborn genetic diseases. Last evaluated: 2025-04-29. Review status: criteria provided, single submitter. Criteria: Ambry Variant Classification Scheme 2023. Collection method: clinical testing. Allele origin: germline.
Comment: The p.H238R variant (also known as c.713A>G), located in coding exon 8 of the AKT1 gene, results from an A to G substitution at nucleotide position 713. The histidine at codon 238 is replaced by arginine, an amino acid with highly similar properties. This amino acid position is conserved. In addition, this alteration is predicted to be deleterious by in silico analysis. Based on the available evidence, the clinical significance of this variant remains unclear.